The following is an entry in ClinVar:

ClinVar aggregate classification (germline): Uncertain significance. Review status: criteria provided, multiple submitters, no conflicts (2 of 4 stars). 2 submissions from 2 submitters: Uncertain significance (2). Last evaluated 2024-02-24.

Conditions:
Combined immunodeficiency due to OX40 deficiency. Also called: OX40 DEFICIENCY; Immunodeficiency 16. Identifiers: Orphanet 431149, MedGen C3810053, MONDO:0014268, OMIM 615593.

Allele frequency attached by ClinVar (database versions not stated): gnomAD exomes 0.00003 and 0.00004; TOPMed 0.00003; gnomAD 0.00004 and 0.00005; ExAC 0.00007; 1000 Genomes Project 30x 0.00016; 1000 Genomes Project 0.00020.
gnomAD v4.1: 45 of 1,611,498 alleles (0.0028%); highest among the groups gnomAD compares: South Asian, 0.019%; no homozygotes.

Submissions (2):

Labcorp Genetics (formerly Invitae), Labcorp
Classification: Uncertain significance for Combined immunodeficiency due to OX40 deficiency. Last evaluated: 2024-02-24. Review status: criteria provided, single submitter. Criteria: Invitae Variant Classification Sherloc (09022015). Collection method: clinical testing. Allele origin: germline.
Comment: This sequence change replaces arginine, which is basic and polar, with cysteine, which is neutral and slightly polar, at codon 108 of the TNFRSF4 protein (p.Arg108Cys). This variant is present in population databases (rs527845865, gnomAD 0.03%). This variant has not been reported in the literature in individuals affected with TNFRSF4-related conditions. ClinVar contains an entry for this variant (Variation ID: 1353532). Advanced modeling of protein sequence and biophysical properties (such as structural, functional, and spatial information, amino acid conservation, physicochemical variation, residue mobility, and thermodynamic stability) has been performed at Invitae for this missense variant, however the output from this modeling did not meet the statistical confidence thresholds required to predict the impact of this variant on TNFRSF4 protein function. In summary, the available evidence is currently insufficient to determine the role of this variant in disease. Therefore, it has been classified as a Variant of Uncertain Significance.

Ambry Genetics
Classification: Uncertain significance. Last evaluated: 2021-07-09. Review status: criteria provided, single submitter. Criteria: Ambry Variant Classification Scheme 2023. Collection method: clinical testing. Allele origin: germline.

NM_003327.4(TNFRSF4):c.322C>T (p.Arg108Cys)

Gene: TNFRSF4 (TNF receptor superfamily member 4; minus strand). Cytogenetic location: 1p36.33.
Variant type: single nucleotide variant.
Coding change: c.322C>T on transcript NM_003327.4 (MANE Select); coding-DNA position 322, C replaced by T.
Protein change: p.Arg108Cys; replaces arginine 108 with cysteine.
Molecular consequence: missense variant.
Genome position (GRCh38, 1-based): chr1:1,213,040, G>A on the plus strand (C>T on the coding strand, the complement: TNFRSF4 is on the minus strand). VCF-style: chr1-1213040-G-A. GRCh37 (hg19) VCF-style: chr1-1148420-G-A.
Other names: c.322C>T (NM_003327.3); short protein forms R108C.
Identifiers: ClinVar variation 1353532 (VCV001353532.9), dbSNP rs527845865, ClinGen allele CA512530.